The following is an entry in ClinVar:

ClinVar aggregate classification (germline): Uncertain significance (0 of 4 stars; one submission).

Allele frequency attached by ClinVar (database versions not stated): ExAC 0.00002; gnomAD exomes 0.00002.

Submission:

Department of Pathology and Laboratory Medicine, Sinai Health System
Classification: Uncertain significance. Review status: no assertion criteria provided. Collection method: clinical testing. Allele origin: unknown. Affected: yes. Study: The Canadian Open Genetics Repository (COGR).
Comment: The UGT2B17 p.Met1Thr variant was not identified in the literature nor was it identified in ClinVar, Cosmic or LOVD 3.0. The variant was identified in dbSNP (ID: rs760181041) and was found in control databases in 4 of 168800 chromosomes (2 homozygous) at a frequency of 0.000024 (Genome Aggregation Database Feb 27, 2017). The variant was observed in the following populations: Other in 2 of 4192 chromosomes (freq: 0.000477) and European (non-Finnish) in 2 of 90832 chromosomes (freq: 0.000022), while the variant was not observed in the African, Latino, Ashkenazi Jewish, East Asian, European (Finnish) and South Asian populations. The variant occurs outside of the splicing consensus sequence and in silico or computational prediction software programs (SpliceSiteFinder, MaxEntScan, NNSPLICE, GeneSplicer) do not predict a difference in splicing. This is a start-loss variant in the UGT2B17 gene and although the p.Met1 residue is not conserved in mammals and other organisms, computational analyses (PolyPhen-2, SIFT, AlignGVGD, BLOSUM, MutationTaster) suggest that the M variant may impact the protein. In summary, based on the above information the clinical significance of this variant cannot be determined with certainty at this time. This variant is classified as a variant of uncertain significance.

NM_001077.4(UGT2B17):c.2T>C (p.Met1Thr)

Gene: UGT2B17 (UDP glucuronosyltransferase family 2 member B17; minus strand). Cytogenetic location: 4q13.2.
Variant type: single nucleotide variant.
Coding change: c.2T>C on transcript NM_001077.4 (MANE Select); coding-DNA position 2, T replaced by C.
Protein change: p.Met1Thr; changes the start codon (methionine 1).
Molecular consequence: missense variant, initiator codon variant.
Genome position (GRCh38, 1-based): chr4:68,568,483, A>G on the plus strand (T>C on the coding strand, the complement: UGT2B17 is on the minus strand). VCF-style: chr4-68568483-A-G. GRCh37 (hg19) VCF-style: chr4-69434201-A-G.
Other names: short protein forms M1T.
Identifiers: ClinVar variation 1049182 (VCV001049182.2), dbSNP rs760181041, ClinGen allele CA2942329.